The following is an entry in ClinVar:

ClinVar aggregate classification (germline): Likely benign. Review status: criteria provided, multiple submitters, no conflicts (2 of 4 stars). 3 submissions from 3 submitters: Likely benign (3). Last evaluated 2024-07-10.

Conditions:
Hereditary cancer-predisposing syndrome. Also called: Tumor predisposition; Hereditary neoplastic syndrome; Neoplastic Syndromes, Hereditary; Hereditary Cancer Syndrome. Identifiers: Orphanet 140162, MedGen C0027672, MeSH D009386, MONDO:0015356.

Allele frequency attached by ClinVar (database versions not stated): gnomAD exomes below 0.00001 and 0.00001; ExAC 0.00001.
gnomAD v4.1: 12 of 1,613,968 alleles (0.00074%); highest among the groups gnomAD compares: Non-Finnish European, 0.001%; no homozygotes.

Submissions (3):

Labcorp Genetics (formerly Invitae), Labcorp
Classification: Likely benign. Last evaluated: 2024-07-10. Review status: criteria provided, single submitter. Criteria: Invitae Variant Classification Sherloc (09022015). Collection method: clinical testing. Allele origin: germline.

Ambry Genetics
Classification: Likely benign for Hereditary cancer-predisposing syndrome. Last evaluated: 2017-08-21. Review status: criteria provided, single submitter. Criteria: Ambry Variant Classification Scheme 2023. Collection method: clinical testing. Allele origin: germline.

GeneDx
Classification: Likely benign. Last evaluated: 2015-12-28. Review status: criteria provided, single submitter. Criteria: GeneDx Variant Classification (06012015). Collection method: clinical testing. Allele origin: germline. Affected: yes.
Comment: This variant is considered likely benign or benign based on one or more of the following criteria: it is a conservative change, it occurs at a poorly conserved position in the protein, it is predicted to be benign by multiple in silico algorithms, and/or has population frequency not consistent with disease.

NM_006231.4(POLE):c.6246G>A (p.Glu2082=)

Gene: POLE (DNA polymerase epsilon, catalytic subunit; minus strand). Cytogenetic location: 12q24.33.
Variant type: single nucleotide variant.
Coding change: c.6246G>A on transcript NM_006231.4 (MANE Select); coding-DNA position 6246, G replaced by A.
Protein change: p.Glu2082=; no amino-acid change (glutamic acid 2082 retained).
Molecular consequence: synonymous variant.
Genome position (GRCh38, 1-based): chr12:132,632,399, C>T on the plus strand (G>A on the coding strand, the complement: POLE is on the minus strand). VCF-style: chr12-132632399-C-T. GRCh37 (hg19) VCF-style: chr12-133208985-C-T.
Identifiers: ClinVar variation 382557 (VCV000382557.16), dbSNP rs772402355, ClinGen allele CA6892244.